The following is an entry in ClinVar:

NM_006514.4(SCN10A):c.2055G>C (p.Glu685Asp)

Gene: SCN10A (sodium voltage-gated channel alpha subunit 10; minus strand). Cytogenetic location: 3p22.2.
Variant type: single nucleotide variant.
Coding change: c.2055G>C on transcript NM_006514.4 (MANE Select); coding-DNA position 2055, G replaced by C.
Protein change: p.Glu685Asp; replaces glutamic acid 685 with aspartic acid.
Molecular consequence: missense variant.
Genome position (GRCh38, 1-based): chr3:38,742,342, C>G on the plus strand (G>C on the coding strand, the complement: SCN10A is on the minus strand). VCF-style: chr3-38742342-C-G. GRCh37 (hg19) VCF-style: chr3-38783833-C-G.
Other names: c.2055G>C, p.Glu685Asp (NM_001293306.2); c.1761G>C, p.Glu587Asp (NM_001293307.2); c.2055G>C (NM_006514.2); short protein forms E587D, E685D.
Identifiers: ClinVar variation 1000606 (VCV001000606.6), dbSNP rs921491588, ClinGen allele CA72977209.

ClinVar aggregate classification (germline): Uncertain significance. Review status: criteria provided, multiple submitters, no conflicts (2 of 4 stars). 2 submissions from 2 submitters: Uncertain significance (2). Last evaluated 2025-03-23.

Conditions:
Cardiovascular phenotype. Identifiers: MedGen CN230736.
Brugada syndrome. Also called: Sudden unexpected nocturnal death syndrome; Sudden Unexplained Death Syndrome; Sudden Unexplained Nocturnal Death Syndrome (SUNDS); Sudden unexplained nocturnal death syndrome. Identifiers: Orphanet 130, MedGen C1142166, MONDO:0015263.

Allele frequency attached by ClinVar (database versions not stated): TOPMed 0.00001; gnomAD 0.00002.
gnomAD v4.1: 6 of 1,613,994 alleles (0.00037%); highest among the groups gnomAD compares: Admixed American, 0.005%; no homozygotes.

Submissions (2):

Ambry Genetics
Classification: Uncertain significance for Cardiovascular phenotype. Last evaluated: 2025-03-23. Review status: criteria provided, single submitter. Criteria: Ambry Variant Classification Scheme 2023. Collection method: clinical testing. Allele origin: germline.
Comment: The p.E685D variant (also known as c.2055G>C), located in coding exon 13 of the SCN10A gene, results from a G to C substitution at nucleotide position 2055. The glutamic acid at codon 685 is replaced by aspartic acid, an amino acid with highly similar properties. This amino acid position is conserved. In addition, the in silico prediction for this alteration is inconclusive. Based on the available evidence, the clinical significance of this variant remains unclear.

Labcorp Genetics (formerly Invitae), Labcorp
Classification: Uncertain significance for Brugada syndrome. Last evaluated: 2021-10-04. Review status: criteria provided, single submitter. Criteria: Invitae Variant Classification Sherloc (09022015). Collection method: clinical testing. Allele origin: germline.
Comment: This sequence change replaces glutamic acid with aspartic acid at codon 685 of the SCN10A protein (p.Glu685Asp). The glutamic acid residue is highly conserved and there is a small physicochemical difference between glutamic acid and aspartic acid. This variant is not present in population databases (ExAC no frequency). This variant has not been reported in the literature in individuals affected with SCN10A-related conditions. Algorithms developed to predict the effect of missense changes on protein structure and function are either unavailable or do not agree on the potential impact of this missense change (SIFT: "Tolerated"; PolyPhen-2: "Possibly Damaging"; Align-GVGD: "Class C0"). In summary, the available evidence is currently insufficient to determine the role of this variant in disease. Therefore, it has been classified as a Variant of Uncertain Significance.